The following is an entry in ClinVar:

ClinVar aggregate classification (germline): Uncertain significance. Review status: criteria provided, multiple submitters, no conflicts (2 of 4 stars). 2 submissions from 2 submitters: Uncertain significance (2). Last evaluated 2025-05-19.

Conditions:
Inborn genetic diseases. Identifiers: MedGen C0950123, MeSH D030342.

gnomAD v4.1: 6 of 1,614,044 alleles (0.00037%); highest among the groups gnomAD compares: Middle Eastern, 0.016%; no homozygotes.

Submissions (2):

Labcorp Genetics (formerly Invitae), Labcorp
Classification: Uncertain significance. Last evaluated: 2025-05-19. Review status: criteria provided, single submitter. Criteria: Invitae Variant Classification Sherloc (09022015). Collection method: clinical testing. Allele origin: germline.
Comment: This sequence change replaces threonine, which is neutral and polar, with lysine, which is basic and polar, at codon 1328 of the DUOX2 protein (p.Thr1328Lys). This variant is present in population databases (rs564305753, gnomAD 0.003%). This variant has not been reported in the literature in individuals affected with DUOX2-related conditions. ClinVar contains an entry for this variant (Variation ID: 2249824). Invitae Evidence Modeling of protein sequence and biophysical properties (such as structural, functional, and spatial information, amino acid conservation, physicochemical variation, residue mobility, and thermodynamic stability) indicates that this missense variant is not expected to disrupt DUOX2 protein function with a negative predictive value of 80%. In summary, the available evidence is currently insufficient to determine the role of this variant in disease. Therefore, it has been classified as a Variant of Uncertain Significance.

Ambry Genetics
Classification: Uncertain significance for Inborn genetic diseases. Last evaluated: 2021-09-16. Review status: criteria provided, single submitter. Criteria: Ambry Variant Classification Scheme 2023. Collection method: clinical testing. Allele origin: germline.

NM_001363711.2(DUOX2):c.3983C>A (p.Thr1328Lys)

Gene: DUOX2 (dual oxidase 2; minus strand). Cytogenetic location: 15q21.1.
Variant type: single nucleotide variant.
Coding change: c.3983C>A on transcript NM_001363711.2 (MANE Select); coding-DNA position 3983, C replaced by A.
Protein change: p.Thr1328Lys; replaces threonine 1328 with lysine.
Molecular consequence: missense variant.
Genome position (GRCh38, 1-based): chr15:45,095,925, G>T on the plus strand (C>A on the coding strand, the complement: DUOX2 is on the minus strand). VCF-style: chr15-45095925-G-T. GRCh37 (hg19) VCF-style: chr15-45388123-G-T.
Other names: c.3983C>A, p.Thr1328Lys (NM_014080.5); short protein forms T1328K.
Identifiers: ClinVar variation 2249824 (VCV002249824.3), dbSNP rs564305753, ClinGen allele CA7537674.
Genomic context (GRCh38, chr15:45,095,925, plus strand): 5'-GAGTAGATCTCCCTGAGGCGAGTGGTCCAGGGCCCCACTGCCCGGATGTGCAGGCTGAGT[G>T]TGTCCTCATGGGGCGCGGAGGTCAGTGTGAAGGGGTGGTACTCGGTGGTCCCCAGAGCCA-3'
Protein context (NP_001350640.1, residues 1318-1338): FTLTSAPHED[Thr1328Lys]LSLHIRAVGP